The following is an entry in ClinVar:

ClinVar aggregate classification (germline): Uncertain significance (1 of 4 stars; one submission).

Conditions:
PURA-related severe neonatal hypotonia-seizures-encephalopathy syndrome (NEDRIHF). Also called: PURA-Related Neurodevelopmental Disorders; NEURODEVELOPMENTAL DISORDER WITH NEONATAL RESPIRATORY INSUFFICIENCY, HYPOTONIA, AND FEEDING DIFFICULTIES. Identifiers: Orphanet 438213, Orphanet 438216, MedGen C4015357, MONDO:1060108, OMIM 616158, MONDO:0018580.

Submission:

Labcorp Genetics (formerly Invitae), Labcorp
Classification: Uncertain significance for PURA-related severe neonatal hypotonia-seizures-encephalopathy syndrome. Last evaluated: 2025-07-23. Review status: criteria provided, single submitter. Criteria: Invitae Variant Classification Sherloc (09022015). Collection method: clinical testing. Allele origin: germline.
Comment: This sequence change replaces tyrosine, which is neutral and polar, with phenylalanine, which is neutral and non-polar, at codon 156 of the PURA protein (p.Tyr156Phe). This variant is not present in population databases (gnomAD no frequency). This variant has not been reported in the literature in individuals affected with PURA-related conditions. Invitae Evidence Modeling of protein sequence and biophysical properties (such as structural, functional, and spatial information, amino acid conservation, physicochemical variation, residue mobility, and thermodynamic stability) indicates that this missense variant is not expected to disrupt PURA protein function with a negative predictive value of 95%. In summary, the available evidence is currently insufficient to determine the role of this variant in disease. Therefore, it has been classified as a Variant of Uncertain Significance.

NM_005859.5(PURA):c.467A>T (p.Tyr156Phe)

Gene: PURA (purine rich element binding protein A; plus strand). Cytogenetic location: 5q31.3.
Variant type: single nucleotide variant.
Coding change: c.467A>T on transcript NM_005859.5 (MANE Select); coding-DNA position 467, A replaced by T.
Protein change: p.Tyr156Phe; replaces tyrosine 156 with phenylalanine.
Molecular consequence: missense variant.
Genome position (GRCh38, 1-based): chr5:140,114,648, A>T. VCF-style: chr5-140114648-A-T. GRCh37 (hg19) VCF-style: chr5-139494233-A-T.
Other names: short protein forms Y156F.
Identifiers: ClinVar variation 4709800 (VCV004709800.1).